The following is an entry in ClinVar:

NM_153682.3(PIGP):c.-22-3_-22-2del

Gene: PIGP (phosphatidylinositol glycan anchor biosynthesis class P; minus strand). Cytogenetic location: 21q22.13.
Variant type: Microsatellite.
Coding change: c.-22-3_-22-2del on transcript NM_153682.3 (MANE Select); 3 bases into the intron before 22 bases upstream of the start codon through the canonical splice acceptor site of the intron before 22 bases upstream of the start codon, 2 bases deleted (CA; older notation c.-22-3_-22-2delCA).
Molecular consequence: splice acceptor variant. On other transcripts: frameshift variant (1).
Genome position (GRCh38, 1-based): chr21:37,072,539-37,072,540, TG deleted on the plus strand (CA on the coding strand, the reverse complement: PIGP is on the minus strand); deleting any 2 consecutive bases within chr21:37,072,539-37,072,542 gives the same sequence; the c. name uses the placement nearest the transcript's 3' end. VCF-style (leftmost placement, unchanged base first): chr21-37072538-CTG-C. GRCh37 (hg19) VCF-style: chr21-38444838-CTG-C.
Other names: c.48_49del, p.His16fs (NM_153681.2); c.-266-3_-266-2del (NM_016430.4); c.-22-3_-22-2del (NM_001320480.2); short protein forms H16fs.
Identifiers: ClinVar variation 1900399 (VCV001900399.2), dbSNP rs775016265, ClinGen allele CA10021192.

ClinVar aggregate classification (germline): Uncertain significance (1 of 4 stars; one submission).

Submission:

Labcorp Genetics (formerly Invitae), Labcorp
Classification: Uncertain significance. Last evaluated: 2022-04-12. Review status: criteria provided, single submitter. Criteria: Invitae Variant Classification Sherloc (09022015). Collection method: clinical testing. Allele origin: germline.
Comment: This sequence change creates a premature translational stop signal (p.His16Glnfs*4) in the PIGP gene. It is expected to result in an absent or disrupted protein product. However, the current clinical and genetic evidence is not sufficient to establish whether loss-of-function variants in PIGP cause disease. This variant is present in population databases (rs775016265, gnomAD 0.06%). This variant has not been reported in the literature in individuals affected with PIGP-related conditions. In summary, the available evidence is currently insufficient to determine the role of this variant in disease. Therefore, it has been classified as a Variant of Uncertain Significance.